The following is an entry in ClinVar:

ClinVar aggregate classification (germline): Uncertain significance (1 of 4 stars; one submission).

gnomAD v4.1: 1 of 1,614,148 alleles (0.000062%); highest among the groups gnomAD compares: East Asian, 0.0022%; no homozygotes.

Submission:

Ambry Genetics
Classification: Uncertain significance. Last evaluated: 2024-08-26. Review status: criteria provided, single submitter. Criteria: Ambry Variant Classification Scheme 2023. Collection method: clinical testing. Allele origin: germline.
Comment: The p.Y313C variant (also known as c.938A>G), located in coding exon 4 of the MNDA gene, results from an A to G substitution at nucleotide position 938. The tyrosine at codon 313 is replaced by cysteine, an amino acid with highly dissimilar properties. This amino acid position is conserved. In addition, this alteration is predicted to be tolerated by in silico analysis. Based on the available evidence, the clinical significance of this variant remains unclear.

NM_002432.3(MNDA):c.938A>G (p.Tyr313Cys)

Gene: MNDA (myeloid cell nuclear differentiation antigen; plus strand). Cytogenetic location: 1q23.1.
Variant type: single nucleotide variant.
Coding change: c.938A>G on transcript NM_002432.3 (MANE Select); coding-DNA position 938, A replaced by G.
Protein change: p.Tyr313Cys; replaces tyrosine 313 with cysteine.
Molecular consequence: missense variant.
Genome position (GRCh38, 1-based): chr1:158,845,954, A>G. VCF-style: chr1-158845954-A-G. GRCh37 (hg19) VCF-style: chr1-158815744-A-G.
Other names: short protein forms Y313C.
Identifiers: ClinVar variation 3397284 (VCV003397284.1).